The following is an entry in ClinVar:

ClinVar aggregate classification (germline): Benign (0 of 4 stars; one submission).

Conditions:
YTHDC2-related disorder. Also called: YTHDC2-related condition.

Allele frequency attached by ClinVar (database versions not stated): gnomAD exomes 0.00030; ExAC 0.00072; 1000 Genomes Project 0.00260; 1000 Genomes Project 30x 0.00265; ESP Exome Variant Server 0.00277; TOPMed 0.00310; gnomAD 0.00312.
gnomAD v4.1: 923 of 1,614,122 alleles (0.057%); highest among the groups gnomAD compares: African/African-American, 1.1%; 3 homozygotes.

Submission:

PreventionGenetics, part of Exact Sciences
Classification: Benign for YTHDC2-related condition. Last evaluated: 2019-07-16. Review status: no assertion criteria provided. Collection method: clinical testing. Allele origin: germline.
Comment: This variant is classified as benign based on ACMG/AMP sequence variant interpretation guidelines (Richards et al. 2015 PMID: 25741868, with internal and published modifications).

NM_022828.5(YTHDC2):c.1314G>A (p.Glu438=)

Gene: YTHDC2 (YTH N6-methyladenosine RNA binding protein C2; plus strand). Cytogenetic location: 5q22.2.
Variant type: single nucleotide variant.
Coding change: c.1314G>A on transcript NM_022828.5 (MANE Select); coding-DNA position 1314, G replaced by A.
Protein change: p.Glu438=; no amino-acid change (glutamic acid 438 retained).
Molecular consequence: synonymous variant.
Genome position (GRCh38, 1-based): chr5:113,541,071, G>A. VCF-style: chr5-113541071-G-A. GRCh37 (hg19) VCF-style: chr5-112876768-G-A.
Other names: c.828G>A, p.Glu276= (NM_001345975.2); c.414G>A, p.Glu138= (NM_001345976.2).
Identifiers: ClinVar variation 3050102 (VCV003050102.2), dbSNP rs76261225, ClinGen allele CA3371745.